The following is an entry in ClinVar:

ClinVar aggregate classification (germline): Uncertain significance. Review status: criteria provided, multiple submitters, no conflicts (2 of 4 stars). 2 submissions from 2 submitters: Uncertain significance (2). Last evaluated 2024-03-05.

gnomAD v4.1: 12 of 1,613,870 alleles (0.00074%); highest among the groups gnomAD compares: Middle Eastern, 0.049%; no homozygotes.

Submissions (2):

Labcorp Genetics (formerly Invitae), Labcorp
Classification: Uncertain significance. Last evaluated: 2024-03-05. Review status: criteria provided, single submitter. Criteria: Invitae Variant Classification Sherloc (09022015). Collection method: clinical testing. Allele origin: germline.
Comment: This sequence change replaces leucine, which is neutral and non-polar, with proline, which is neutral and non-polar, at codon 74 of the SPP2 protein (p.Leu74Pro). This variant is present in population databases (rs756119652, gnomAD 0.0009%). This variant has not been reported in the literature in individuals affected with SPP2-related conditions. An algorithm developed to predict the effect of missense changes on protein structure and function (PolyPhen-2) suggests that this variant is likely to be disruptive. In summary, the available evidence is currently insufficient to determine the role of this variant in disease. Therefore, it has been classified as a Variant of Uncertain Significance.

Blueprint Genetics
Classification: Uncertain significance. Last evaluated: 2021-03-17. Review status: criteria provided, single submitter. Criteria: ACMG Guidelines, 2015. Collection method: clinical testing. Allele origin: germline.

NM_006944.3(SPP2):c.221T>C (p.Leu74Pro)

Gene: SPP2 (secreted phosphoprotein 2; plus strand). Cytogenetic location: 2q37.1.
Variant type: single nucleotide variant.
Coding change: c.221T>C on transcript NM_006944.3 (MANE Select); coding-DNA position 221, T replaced by C.
Protein change: p.Leu74Pro; replaces leucine 74 with proline.
Molecular consequence: missense variant.
Genome position (GRCh38, 1-based): chr2:234,058,846, T>C. VCF-style: chr2-234058846-T-C. GRCh37 (hg19) VCF-style: chr2-234967490-T-C.
Other names: short protein forms L74P.
Identifiers: ClinVar variation 3635369 (VCV003635369.3).